The following is an entry in ClinVar:

ClinVar aggregate classification (germline): Likely benign. Review status: criteria provided, multiple submitters, no conflicts (2 of 4 stars). 4 submissions from 4 submitters: Likely benign (3). 1 of the submissions does not count toward it. Last evaluated 2026-01-26.

Conditions:
NF1-related disorder. Also called: NF1-related condition. Identifiers: MedGen CN379171.
Neurofibromatosis, type 1 (NF1). Also called: VON RECKLINGHAUSEN DISEASE; NEUROFIBROMATOSIS, TYPE I, SOMATIC; Peripheral type neurofibromatosis; Neurofibromatosis, type I. Identifiers: Orphanet 636, MedGen C0027831, MONDO:0018975, OMIM 162200. Disease mechanism: loss of function.
Café-au-lait macules with pulmonary stenosis (WTSN). Also called: PULMONIC STENOSIS WITH CAFE-AU-LAIT SPOTS. Identifiers: MedGen C0553586, MONDO:0008672, OMIM 193520.
Juvenile myelomonocytic leukemia (JMML). Also called: LEUKEMIA, JUVENILE MYELOMONOCYTIC, SOMATIC. Identifiers: Orphanet 86834, MedGen C0349639, MONDO:0011908, OMIM 607785, HP:0012209.
Neurofibromatosis-Noonan syndrome (NFNS). Also called: NEUROFIBROMATOSIS WITH NOONAN PHENOTYPE. Identifiers: Orphanet 638, MedGen C2931482, MONDO:0011035, OMIM 601321. Disease mechanism: loss of function.
Neurofibromatosis, familial spinal (FSNF). Identifiers: Orphanet 636, MedGen C1834235, MONDO:0008078, OMIM 162210. Disease mechanism: loss of function.

Allele frequency attached by ClinVar (database versions not stated): gnomAD 0.00001; ExAC 0.00002; gnomAD exomes 0.00002; TOPMed 0.00002; 1000 Genomes Project 0.00020; 1000 Genomes Project 30x 0.00031.
gnomAD v4.1: 8 of 1,613,636 alleles (0.0005%); highest among the groups gnomAD compares: Admixed American, 0.013%; no homozygotes.

Submissions (4):

Labcorp Genetics (formerly Invitae), Labcorp
Classification: Likely benign for Neurofibromatosis, type 1. Last evaluated: 2026-01-26. Review status: criteria provided, single submitter. Criteria: Invitae Variant Classification Sherloc (09022015). Collection method: clinical testing. Allele origin: germline.

Women's Health and Genetics/Laboratory Corporation of America, LabCorp
Classification: Likely benign. Last evaluated: 2025-12-16. Review status: criteria provided, single submitter. Criteria: LabCorp Variant Classification Summary - May 2015. Collection method: clinical testing. Allele origin: germline.
Comment: Variant summary: NF1 c.2326-9T>A alters a nucleotide located at a position not widely known to affect splicing. Consensus agreement among computation tools predict no significant impact on normal splicing. However, these predictions have yet to be confirmed by functional studies. The variant allele was found at a frequency of 1.6e-05 in 251182 control chromosomes. The available data on variant occurrences in the general population are insufficient to allow any conclusion about variant significance. To our knowledge, no occurrence of c.2326-9T>A in individuals affected with NF1-related conditions and no experimental evidence demonstrating its impact on protein function have been reported. ClinVar contains an entry for this variant (Variation ID: 457580). Based on the evidence outlined above, the variant was classified as likely benign.

Fulgent Genetics
Classification: Likely benign for Neurofibromatosis, type 1; Neurofibromatosis, familial spinal; Café-au-lait macules with pulmonary stenosis; Neurofibromatosis-Noonan syndrome; Juvenile myelomonocytic leukemia. Last evaluated: 2024-02-15. Review status: criteria provided, single submitter. Criteria: ACMG Guidelines, 2015. Collection method: clinical testing. Allele origin: germline.

PreventionGenetics, part of Exact Sciences
Classification: Likely benign for NF1-related condition. Last evaluated: 2024-08-18. Review status: no assertion criteria provided. Collection method: clinical testing. Allele origin: germline. Not counted in ClinVar's aggregate classification.
Comment: This variant is classified as likely benign based on ACMG/AMP sequence variant interpretation guidelines (Richards et al. 2015 PMID: 25741868, with internal and published modifications).

Literature cited by the submitters: PubMed 10678181 (cited by Women's Health and Genetics/Laboratory Corporation of America, LabCorp); PubMed 23460398 (cited by Women's Health and Genetics/Laboratory Corporation of America, LabCorp); PubMed 29872168 (cited by Women's Health and Genetics/Laboratory Corporation of America, LabCorp); PubMed 27069254 (cited by Women's Health and Genetics/Laboratory Corporation of America, LabCorp).

NM_001042492.3(NF1):c.2326-9T>A

Gene: NF1 (neurofibromin 1; plus strand). Cytogenetic location: 17q11.2.
Variant type: single nucleotide variant.
Coding change: c.2326-9T>A on transcript NM_001042492.3 (MANE Select); 9 bases into the intron before coding-DNA position 2326, T replaced by A.
Molecular consequence: intron variant.
Genome position (GRCh38, 1-based): chr17:31,227,514, T>A. VCF-style: chr17-31227514-T-A. GRCh37 (hg19) VCF-style: chr17-29554532-T-A.
Other names: c.2326-9T>A (NM_000267.4, NM_001042492.2).
Identifiers: ClinVar variation 457580 (VCV000457580.13), dbSNP rs181838967, ClinGen allele CA8485964.